The following is an entry in ClinVar:

ClinVar aggregate classification (germline): Uncertain significance (1 of 4 stars; one submission).

Conditions:
Autosomal recessive limb-girdle muscular dystrophy type 2J (LGMDR10). Also called: Limb-girdle muscular dystrophy, type 2J; MUSCULAR DYSTROPHY, LIMB-GIRDLE, AUTOSOMAL RECESSIVE 10. Identifiers: Orphanet 140922, MedGen C1837342, MONDO:0012127, OMIM 608807.
Dilated cardiomyopathy 1G (CMD1G). Identifiers: Orphanet 154, MedGen C1858763, MONDO:0011400, OMIM 604145.

gnomAD v4.1: 2 of 1,613,898 alleles (0.00012%); highest among the groups gnomAD compares: Non-Finnish European, 0.00017%; no homozygotes.

Submission:

Labcorp Genetics (formerly Invitae), Labcorp
Classification: Uncertain significance for Dilated cardiomyopathy 1G; Autosomal recessive limb-girdle muscular dystrophy type 2J. Last evaluated: 2025-07-27. Review status: criteria provided, single submitter. Criteria: Invitae Variant Classification Sherloc (09022015). Collection method: clinical testing. Allele origin: germline.
Comment: This sequence change replaces aspartic acid, which is acidic and polar, with histidine, which is basic and polar, at codon 34399 of the TTN protein (p.Asp34399His). This variant is present in population databases (no rsID available, gnomAD 0.0009%). This variant has not been reported in the literature in individuals affected with TTN-related conditions. Experimental studies and prediction algorithms are not available or were not evaluated, and the functional significance of this variant is currently unknown. This variant is located in the M band of TTN (PMID: 25589632). Non-truncating variants in this region may be relevant for neuromuscular disorders, but have not been definitively shown to cause cardiomyopathy (PMID: 23975875). In summary, the available evidence is currently insufficient to determine the role of this variant in disease. Therefore, it has been classified as a Variant of Uncertain Significance.

Literature cited by the submitters: PubMed 25589632; PubMed 23975875.

NM_001267550.2(TTN):c.103195G>C (p.Asp34399His)

Genes: TTN (titin; minus strand), TTN-AS1 (TTN antisense RNA 1; plus strand). Cytogenetic location: 2q31.2.
Variant type: single nucleotide variant.
Coding change: c.103195G>C on transcript NM_001267550.2 (MANE Select); coding-DNA position 103195, G replaced by C.
Protein change: p.Asp34399His; replaces aspartic acid 34399 with histidine.
Molecular consequence: missense variant.
Genome position (GRCh38, 1-based): chr2:178,533,420, C>G on the plus strand (G>C on the coding strand, the complement: TTN is on the minus strand). VCF-style: chr2-178533420-C-G. GRCh37 (hg19) VCF-style: chr2-179398147-C-G.
Other names: c.98272G>C, p.Asp32758His (NM_001256850.1); c.76000G>C, p.Asp25334His (NM_003319.4); c.95491G>C, p.Asp31831His (NM_133378.4); c.76375G>C, p.Asp25459His (NM_133432.3); c.76576G>C, p.Asp25526His (NM_133437.4); short protein forms D25334H, D31831H, D25459H, D25526H, D32758H, D34399H.
Identifiers: ClinVar variation 4785651 (VCV004785651.1).